The following is an entry in ClinVar:

ClinVar aggregate classification (germline): Uncertain significance (1 of 4 stars; one submission).

Conditions:
Arrhythmogenic cardiomyopathy with wooly hair and keratoderma. Also called: PALMOPLANTAR KERATODERMA WITH LEFT VENTRICULAR CARDIOMYOPATHY AND WOOLLY HAIR; Carvajal syndrome; Dilated cardiomyopathy with woolly hair and keratoderma; Arrhythmogenic cardiomyopathy with woolly hair and keratoderma. Identifiers: Orphanet 65282, MedGen C1854063, MONDO:0011581, OMIM 605676.

Allele frequency attached by ClinVar (database versions not stated): gnomAD exomes below 0.00001.
gnomAD v4.1: 1 of 1,614,078 alleles (0.000062%); highest among the groups gnomAD compares: Non-Finnish European, 0.000085%; no homozygotes.

Submission:

All of Us Research Program, National Institutes of Health
Classification: Uncertain significance for Arrhythmogenic cardiomyopathy with wooly hair and keratoderma. Last evaluated: 2023-11-20. Review status: criteria provided, single submitter. Criteria: ACMG Guidelines, 2015. Collection method: clinical testing. Allele origin: germline. Inheritance: Autosomal dominant inheritance. Observed: 1 variant allele, 1 heterozygote.
Comment: This missense variant replaces isoleucine with threonine at codon 2378 of the DSP protein. Computational prediction suggests that this variant may have deleterious impact on protein structure and function (internally defined REVEL score threshold >= 0.7, PMID: 27666373). To our knowledge, functional studies have not been reported for this variant. This variant has not been reported in individuals affected with DSP-related disorders in the literature. This variant has not been identified in the general population by the Genome Aggregation Database (gnomAD). The available evidence is insufficient to determine the role of this variant in disease conclusively. Therefore, this variant is classified as a Variant of Uncertain Significance.

This study involves interpretation of variants in research participants for the purpose of population health screening. Participant phenotype was not available at the time of variant classification. Additional details can be found in publication PMID: 35346344, PMCID: PMC8962531

NM_004415.4(DSP):c.7133T>C (p.Ile2378Thr)

Gene: DSP (desmoplakin; plus strand). Cytogenetic location: 6p24.3.
Variant type: single nucleotide variant.
Coding change: c.7133T>C on transcript NM_004415.4 (MANE Select); coding-DNA position 7133, T replaced by C.
Protein change: p.Ile2378Thr; replaces isoleucine 2378 with threonine.
Molecular consequence: missense variant.
Genome position (GRCh38, 1-based): chr6:7,584,395, T>C. VCF-style: chr6-7584395-T-C. GRCh37 (hg19) VCF-style: chr6-7584628-T-C.
Other names: c.5336T>C, p.Ile1779Thr (NM_001008844.3); c.5804T>C, p.Ile1935Thr (NM_001319034.2); short protein forms I1779T, I1935T, I2378T.
Identifiers: ClinVar variation 3074659 (VCV003074659.1), dbSNP rs2533944115, ClinGen allele CA362692305.